The following is an entry in ClinVar:

ClinVar aggregate classification (germline): Uncertain significance. Review status: criteria provided, multiple submitters, no conflicts (2 of 4 stars). 2 submissions from 2 submitters: Uncertain significance (2). Last evaluated 2024-09-09.

Conditions:
Welander distal myopathy (WDM). Also called: Gower's muscular dystrophy; MUSCULAR DYSTROPHY, DISTAL, LATE-ONSET, AUTOSOMAL DOMINANT; Welander distal myopathy, Swedish type; Distal myopathy, Swedish type. Identifiers: Orphanet 603, MedGen C0221054, MONDO:0011466, OMIM 604454.

Allele frequency attached by ClinVar (database versions not stated): gnomAD exomes below 0.00001; TOPMed below 0.00001.
gnomAD v4.1: 3 of 1,614,116 alleles (0.00019%); highest among the groups gnomAD compares: Non-Finnish European, 0.00025%; no homozygotes.

Submissions (2):

Labcorp Genetics (formerly Invitae), Labcorp
Classification: Uncertain significance for Welander distal myopathy. Last evaluated: 2024-09-09. Review status: criteria provided, single submitter. Criteria: Invitae Variant Classification Sherloc (09022015). Collection method: clinical testing. Allele origin: germline.
Comment: This sequence change replaces leucine, which is neutral and non-polar, with proline, which is neutral and non-polar, at codon 288 of the TIA1 protein (p.Leu288Pro). This variant is not present in population databases (gnomAD no frequency). This variant has not been reported in the literature in individuals affected with TIA1-related conditions. ClinVar contains an entry for this variant (Variation ID: 2437087). Invitae Evidence Modeling of protein sequence and biophysical properties (such as structural, functional, and spatial information, amino acid conservation, physicochemical variation, residue mobility, and thermodynamic stability) indicates that this missense variant is not expected to disrupt TIA1 protein function with a negative predictive value of 80%. In summary, the available evidence is currently insufficient to determine the role of this variant in disease. Therefore, it has been classified as a Variant of Uncertain Significance.

Revvity Omics, Revvity
Classification: Uncertain significance. Last evaluated: 2020-04-03. Review status: criteria provided, single submitter. Criteria: ACMG Guidelines, 2015. Collection method: clinical testing. Allele origin: germline.

NM_022173.4(TIA1):c.863T>C (p.Leu288Pro)

Gene: TIA1 (TIA1 cytotoxic granule associated RNA binding protein; minus strand). Cytogenetic location: 2p13.3.
Variant type: single nucleotide variant.
Coding change: c.863T>C on transcript NM_022173.4 (MANE Select); coding-DNA position 863, T replaced by C.
Protein change: p.Leu288Pro; replaces leucine 288 with proline.
Molecular consequence: missense variant. On other transcripts: non-coding transcript variant (17).
Genome position (GRCh38, 1-based): chr2:70,215,396, A>G on the plus strand (T>C on the coding strand, the complement: TIA1 is on the minus strand). VCF-style: chr2-70215396-A-G. GRCh37 (hg19) VCF-style: chr2-70442528-A-G.
Other names: c.863T>C, p.Leu288Pro (NM_001351508.2); c.836T>C, p.Leu279Pro (NM_001351509.2); c.830T>C, p.Leu277Pro (NM_001351510.2, NM_022037.4); c.752T>C, p.Leu251Pro (NM_001351511.1); c.725T>C, p.Leu242Pro (NM_001351512.1); c.719T>C, p.Leu240Pro (NM_001351513.1); c.635T>C, p.Leu212Pro (NM_001351514.2); c.560T>C, p.Leu187Pro (NM_001351515.2); and 1 more; short protein forms L148P, L187P, L212P, L240P, L242P, L251P, L277P, L279P.
Identifiers: ClinVar variation 2437087 (VCV002437087.5), dbSNP rs1678141237, ClinGen allele CA347151073.